The following is an entry in ClinVar:

NM_001330360.2(POLA1):c.4183T>C (p.Tyr1395His)

Gene: POLA1 (DNA polymerase alpha 1, catalytic subunit; plus strand). Cytogenetic location: Xp21.3.
Variant type: single nucleotide variant.
Coding change: c.4183T>C on transcript NM_001330360.2 (MANE Select); coding-DNA position 4183, T replaced by C.
Protein change: p.Tyr1395His; replaces tyrosine 1395 with histidine.
Molecular consequence: missense variant. On other transcripts: non-coding transcript variant (2).
Genome position (GRCh38, 1-based): chrX:24,930,471, T>C. VCF-style: chrX-24930471-T-C. GRCh37 (hg19) VCF-style: chrX-24948588-T-C.
Other names: c.4108T>C, p.Tyr1370His (NM_001378303.1); c.4165T>C, p.Tyr1389His (NM_016937.4); short protein forms Y1370H, Y1389H, Y1395H.
Identifiers: ClinVar variation 2662910 (VCV002662910.1), dbSNP rs2518950284, ClinGen allele CA412608692.
Genomic context (GRCh38, chrX:24,930,471, plus strand): 5'-CTCCCCAGTAGTAGTATTCATTTATTTTCTGTTATATTACAGTATTCTGACAAGTCCCTG[T>C]ACACCCAGCTGTGCTTTTACCGGTACATTTTTGATGCGGAGTGTGCACTGGAGAAACTTA-3'
Protein context (NP_001317289.1, residues 1385-1405): LQPEYSDKSL[Tyr1395His]TQLCFYRYIF

ClinVar aggregate classification (germline): Uncertain significance (1 of 4 stars; one submission).

Submission:

GeneDx
Classification: Uncertain significance. Last evaluated: 2023-05-03. Review status: criteria provided, single submitter. Criteria: GeneDx Variant Classification Process June 2021. Collection method: clinical testing. Allele origin: germline. Affected: yes.
Comment: Not observed at significant frequency in large population cohorts (gnomAD); In silico analysis supports that this missense variant has a deleterious effect on protein structure/function; Has not been previously published as pathogenic or benign to our knowledge